The following is an entry in ClinVar:

NM_001384140.1(PCDH15):c.3666T>G (p.Val1222=)

Gene: PCDH15 (protocadherin related 15; minus strand). Cytogenetic location: 10q21.1.
Variant type: single nucleotide variant.
Coding change: c.3666T>G on transcript NM_001384140.1 (MANE Select); coding-DNA position 3666, T replaced by G.
Protein change: p.Val1222=; no amino-acid change (valine 1222 retained).
Molecular consequence: synonymous variant.
Genome position (GRCh38, 1-based): chr10:53,866,693, A>C on the plus strand (T>G on the coding strand, the complement: PCDH15 is on the minus strand). VCF-style: chr10-53866693-A-C. GRCh37 (hg19) VCF-style: chr10-55626453-A-C.
Other names: c.3681T>G, p.Val1227= (NM_001142763.2, NM_001142771.2); c.3666T>G, p.Val1222= (NM_001142764.2, NM_001142766.2, NM_001142770.3 and 4 more transcripts); c.3453T>G, p.Val1151= (NM_001142765.2); c.3555T>G, p.Val1185= (NM_001142767.2); c.3600T>G, p.Val1200= (NM_001142768.2, NM_001142773.2, NM_001354404.2); c.3702T>G, p.Val1234= (NM_001142769.4); c.3687T>G, p.Val1229= (NM_001354411.2); c.3666T>G (NM_033056.3).
Identifiers: ClinVar variation 1131199 (VCV001131199.8), dbSNP rs762138321, ClinGen allele CA469493540.
Genomic context (GRCh38, chr10:53,866,693, plus strand): 5'-TCTACTTACGAGTACATCGGCTTTGCCGCTCAGTCCCTTCCCATAGTCGTCAGTTGCAAT[A>C]ACTTGAAACTTGAAGTAGGATCTCCTCATATTATGGAAGAGCATAGCAGTTTTGATAAGC-3'
Protein context (NP_001371069.1, residues 1212-1232): NMRRSYFKFQ[Val1222=]IATDDYGKGL

ClinVar aggregate classification (germline): Likely benign. Review status: criteria provided, multiple submitters, no conflicts (2 of 4 stars). 2 submissions from 2 submitters: Likely benign (2). Last evaluated 2025-10-07.

Conditions:
PCDH15-related disorder. Also called: PCDH15-related condition; PCDH15-related disorders.

Allele frequency attached by ClinVar (database versions not stated): gnomAD 0.00003.
gnomAD v4.1: 30 of 1,613,482 alleles (0.0019%); highest among the groups gnomAD compares: Non-Finnish European, 0.0024%; no homozygotes.

Submissions (2):

Labcorp Genetics (formerly Invitae), Labcorp
Classification: Likely benign. Last evaluated: 2025-10-07. Review status: criteria provided, single submitter. Criteria: Invitae Variant Classification Sherloc (09022015). Collection method: clinical testing. Allele origin: germline.

PreventionGenetics, part of Exact Sciences
Classification: Likely benign for PCDH15-related condition. Last evaluated: 2025-06-09. Review status: criteria provided, single submitter. Criteria: ACMG Guidelines, 2015. Collection method: clinical testing. Allele origin: germline.
Comment: This variant is classified as likely benign based on ACMG/AMP sequence variant interpretation guidelines (Richards et al. 2015 PMID: 25741868, with internal and published modifications).